The following is an entry in ClinVar:

ClinVar aggregate classification (germline): Likely benign (0 of 4 stars; one submission).

Conditions:
DVL2-related disorder. Also called: DVL2-related condition.

Allele frequency attached by ClinVar (database versions not stated): 1000 Genomes Project 0.00020; 1000 Genomes Project 30x 0.00031; ExAC 0.00049; gnomAD 0.00054; gnomAD exomes 0.00062; TOPMed 0.00062; ESP Exome Variant Server 0.00077.
gnomAD v4.1: 993 of 1,611,070 alleles (0.062%); highest among the groups gnomAD compares: Non-Finnish European, 0.061%; 2 homozygotes.

Submission:

PreventionGenetics, part of Exact Sciences
Classification: Likely benign for DVL2-related condition. Last evaluated: 2019-10-28. Review status: no assertion criteria provided. Collection method: clinical testing. Allele origin: germline.
Comment: This variant is classified as likely benign based on ACMG/AMP sequence variant interpretation guidelines (Richards et al. 2015 PMID: 25741868, with internal and published modifications).

NM_004422.3(DVL2):c.579G>A (p.Glu193=)

Genes: DVL2 (dishevelled segment polarity protein 2; minus strand), LOC126862480 (CDK7 strongly-dependent group 2 enhancer GRCh37_chr17:7132793-7133992; plus strand). Cytogenetic location: 17p13.1.
Variant type: single nucleotide variant.
Coding change: c.579G>A on transcript NM_004422.3 (MANE Select); coding-DNA position 579, G replaced by A.
Protein change: p.Glu193=; no amino-acid change (glutamic acid 193 retained).
Molecular consequence: synonymous variant.
Genome position (GRCh38, 1-based): chr17:7,229,885, C>T on the plus strand (G>A on the coding strand, the complement: DVL2 is on the minus strand). VCF-style: chr17-7229885-C-T. GRCh37 (hg19) VCF-style: chr17-7133204-C-T.
Identifiers: ClinVar variation 3046278 (VCV003046278.2), dbSNP rs146424893, ClinGen allele CA8338907.